The following is an entry in ClinVar:

ClinVar aggregate classification (germline): Uncertain significance (1 of 4 stars; one submission).

Conditions:
Aural atresia, congenital (CAA). Also called: AURAL ATRESIA, CONGENITAL, WITH HYPOSMIA. Identifiers: MedGen C1842937, MONDO:0011921, OMIM 607842.

Submission:

Illumina Laboratory Services, Illumina
Classification: Uncertain significance for Aural atresia, congenital. Last evaluated: 2019-02-13. Review status: criteria provided, single submitter. Criteria: ICSLVariantClassificationCriteria RUGD 01 April 2020. Collection method: clinical testing. Allele origin: unknown.
Comment: The TSHZ1 c.3G>A p.(Met1?) variant alters the initiator methionine amino acid and the resultant protein is described as p.Met1? to denote that whether the loss of the methionine at codon 1 prevents all protein translation or causes abnormal protein formation from an alternate methionine is unknown. To our knowledge, this variant has not been reported in the peer-reviewed literature. The highest frequency of this allele in the Genome Aggregation Database is 0.00027 in the Admixed American population (version 2.1.1). Based on the limited evidence, the TSHZ1 c.3G>A p.(Met1?) variant is classified as a variant of uncertain significance for congenital aural atresia.

NM_001308210.2(TSHZ1):c.3G>A (p.Met1Ile)

Genes: TSHZ1 (teashirt zinc finger homeobox 1; plus strand), LOC130062726 (ATAC-STARR-seq lymphoblastoid silent region 9549; plus strand). Cytogenetic location: 18q22.3.
Variant type: single nucleotide variant.
Coding change: c.3G>A on transcript NM_001308210.2 (MANE Select); coding-DNA position 3, G replaced by A.
Protein change: p.Met1Ile; changes the start codon (methionine 1).
Molecular consequence: missense variant, initiator codon variant. On other transcripts: intron variant (1).
Genome position (GRCh38, 1-based): chr18:75,211,879, G>A. VCF-style: chr18-75211879-G-A. GRCh37 (hg19) VCF-style: chr18-72923834-G-A.
Other names: c.-96+636G>A (NM_005786.6); short protein forms M1I.
Identifiers: ClinVar variation 3062035 (VCV003062035.1), dbSNP rs2511878860, ClinGen allele CA402776938.